The following is an entry in ClinVar:

ClinVar aggregate classification (germline): Uncertain significance. Review status: criteria provided, multiple submitters, no conflicts (2 of 4 stars). 2 submissions from 2 submitters: Uncertain significance (2). Last evaluated 2024-02-06.

Conditions:
Multicentric carpo-tarsal osteolysis with or without nephropathy. Also called: MULTICENTRIC OSTEOLYSIS, AUTOSOMAL DOMINANT; Multicentric Carpotarsal Osteolysis with or without Nephropathy; Multicentric Osteolysis of Carpal Bones and Nephropathy; OSTEOLYSIS, HEREDITARY, OF CARPAL BONES WITH OR WITHOUT NEPHROPATHY; MULTICENTRIC CARPOTARSAL OSTEOLYSIS SYNDROME; Carnevale Canun Mendoza syndrome. Identifiers: Orphanet 2774, MedGen C2674705, MONDO:0008152, OMIM 166300.
Duane retraction syndrome 3 with or without deafness (DURS3). Also called: Duane syndrome type 3; DUANE RETRACTION SYNDROME 3. Identifiers: Orphanet 233, MedGen C4310752, MONDO:0014880, OMIM 617041.

Submissions (2):

Labcorp Genetics (formerly Invitae), Labcorp
Classification: Uncertain significance. Last evaluated: 2024-02-06. Review status: criteria provided, single submitter. Criteria: Invitae Variant Classification Sherloc (09022015). Collection method: clinical testing. Allele origin: germline.
Comment: This sequence change replaces glycine, which is neutral and non-polar, with serine, which is neutral and polar, at codon 43 of the MAFB protein (p.Gly43Ser). This variant is not present in population databases (gnomAD no frequency). This variant has not been reported in the literature in individuals affected with MAFB-related conditions. Advanced modeling of protein sequence and biophysical properties (such as structural, functional, and spatial information, amino acid conservation, physicochemical variation, residue mobility, and thermodynamic stability) performed at Invitae indicates that this missense variant is not expected to disrupt MAFB protein function with a negative predictive value of 80%. In summary, the available evidence is currently insufficient to determine the role of this variant in disease. Therefore, it has been classified as a Variant of Uncertain Significance.

Fulgent Genetics
Classification: Uncertain significance for Multicentric carpo-tarsal osteolysis with or without nephropathy; Duane retraction syndrome 3 with or without deafness. Last evaluated: 2024-01-10. Review status: criteria provided, single submitter. Criteria: ACMG Guidelines, 2015. Collection method: clinical testing. Allele origin: germline.

NM_005461.5(MAFB):c.127G>A (p.Gly43Ser)

Gene: MAFB (MAF bZIP transcription factor B; minus strand). Cytogenetic location: 20q12.
Variant type: single nucleotide variant.
Coding change: c.127G>A on transcript NM_005461.5 (MANE Select); coding-DNA position 127, G replaced by A.
Protein change: p.Gly43Ser; replaces glycine 43 with serine.
Molecular consequence: missense variant.
Genome position (GRCh38, 1-based): chr20:40,688,724, C>T on the plus strand (G>A on the coding strand, the complement: MAFB is on the minus strand). VCF-style: chr20-40688724-C-T. GRCh37 (hg19) VCF-style: chr20-39317364-C-T.
Other names: short protein forms G43S.
Identifiers: ClinVar variation 3587233 (VCV003587233.3).
Genomic context (GRCh38, chr20:40,688,724, plus strand): 5'-GAGTGCTGAGCGGTGTGGAGGACACCGAGCCGGCTGGCTGCAGGCGTGTGCAGGGCCTGC[C>T]CGGACGCTCCGCGCGCCCCAGTGGCTCCTTCTTCACGTCGAACTTGAGCAGGTCGAAGTC-3'
Protein context (NP_005452.2, residues 33-53): KEPLGRAERP[Gly43Ser]RPCTRLQPAG